The following is an entry in ClinVar:

ClinVar aggregate classification (germline): Uncertain significance (1 of 4 stars; one submission).

Conditions:
Familial hemophagocytic lymphohistiocytosis 3 (FHL3). Also called: UNC13D-Related Familial Hemophagocytic Lymphohistiocytosis (UNC13D-fHLH). Identifiers: Orphanet 540, MedGen C1837174, MONDO:0012146, OMIM 608898.

Allele frequency attached by ClinVar (database versions not stated): gnomAD exomes below 0.00001.
gnomAD v4.1: 1 of 1,613,850 alleles (0.000062%); highest among the groups gnomAD compares: Non-Finnish European, 0.000085%; no homozygotes.

Submission:

Labcorp Genetics (formerly Invitae), Labcorp
Classification: Uncertain significance for Familial hemophagocytic lymphohistiocytosis 3. Last evaluated: 2021-05-28. Review status: criteria provided, single submitter. Criteria: Invitae Variant Classification Sherloc (09022015). Collection method: clinical testing. Allele origin: germline.
Comment: In summary, the available evidence is currently insufficient to determine the role of this variant in disease. Therefore, it has been classified as a Variant of Uncertain Significance. Algorithms developed to predict the effect of missense changes on protein structure and function output the following: SIFT: "Not Available"; PolyPhen-2: "Benign"; Align-GVGD: "Not Available". The serine amino acid residue is found in multiple mammalian species, suggesting that this missense change does not adversely affect protein function. These predictions have not been confirmed by published functional studies and their clinical significance is uncertain. This variant has not been reported in the literature in individuals with UNC13D-related conditions. This variant is not present in population databases (ExAC no frequency). This sequence change replaces glycine with serine at codon 692 of the UNC13D protein (p.Gly692Ser). The glycine residue is weakly conserved and there is a small physicochemical difference between glycine and serine.

NM_199242.3(UNC13D):c.2074G>A (p.Gly692Ser)

Gene: UNC13D (unc-13 homolog D; minus strand). Cytogenetic location: 17q25.1.
Variant type: single nucleotide variant.
Coding change: c.2074G>A on transcript NM_199242.3 (MANE Select); coding-DNA position 2074, G replaced by A.
Protein change: p.Gly692Ser; replaces glycine 692 with serine.
Molecular consequence: missense variant.
Genome position (GRCh38, 1-based): chr17:75,834,635, C>T on the plus strand (G>A on the coding strand, the complement: UNC13D is on the minus strand). VCF-style: chr17-75834635-C-T. GRCh37 (hg19) VCF-style: chr17-73830716-C-T.
Other names: short protein forms G692S.
Identifiers: ClinVar variation 1356832 (VCV001356832.8), dbSNP rs2143875873, ClinGen allele CA401090091.
Genomic context (GRCh38, chr17:75,834,635, plus strand): 5'-TCCCCACACCCAGCTAGACTCCCAGCCCCAGCTCTGGCCTTACCATGTTGGCTGCCTGGC[C>T]TTGGTCCTTCTGGCCTGAAGAGAGCTCGCGGGCCCGGGCCTTTATAAGGCTGCAGTACAC-3'
Protein context (NP_954712.1, residues 682-702): RELSSGQKDQ[Gly692Ser]QAANMLCVVV